The following is an entry in ClinVar:

ClinVar aggregate classification (germline): Uncertain significance (1 of 4 stars; one submission).

Submission:

Geisinger Autism and Developmental Medicine Institute, Geisinger Health System
Classification: Uncertain significance. Last evaluated: 2017-03-27. Review status: criteria provided, single submitter. Criteria: ACMG CNV Guidelines, 2011. Collection method: provider interpretation. Allele origin: paternal.

Single allele

Variant type: Duplication.
Identifiers: ClinVar variation 559458 (VCV000559458.3).